The following is an entry in ClinVar:

NM_001374828.1(ARID1B):c.3184A>G (p.Thr1062Ala)

Gene: ARID1B (AT-rich interaction domain 1B; plus strand). Cytogenetic location: 6q25.3.
Variant type: single nucleotide variant.
Coding change: c.3184A>G on transcript NM_001374828.1 (MANE Select); coding-DNA position 3184, A replaced by G.
Protein change: p.Thr1062Ala; replaces threonine 1062 with alanine.
Molecular consequence: missense variant.
Genome position (GRCh38, 1-based): chr6:157,167,134, A>G. VCF-style: chr6-157167134-A-G. GRCh37 (hg19) VCF-style: chr6-157488268-A-G.
Other names: c.2935A>G, p.Thr979Ala (NM_001346813.1); c.685A>G, p.Thr229Ala (NM_001363725.2); c.3223A>G, p.Thr1075Ala (NM_001371656.1, NM_001374820.1); c.3184A>G, p.Thr1062Ala (NM_017519.3); c.2974A>G, p.Thr992Ala (NM_020732.3); c.2761A>G, p.Thr921Ala (NM_175863.2); short protein forms T921A, T1075A, T229A, T979A, T992A, T1062A.
Identifiers: ClinVar variation 1967069 (VCV001967069.6), dbSNP rs868392930, ClinGen allele CA150848364.

ClinVar aggregate classification (germline): Conflicting classifications of pathogenicity. Review status: criteria provided, conflicting classifications (1 of 4 stars). 2 submissions from 2 submitters: Uncertain significance (1); Likely benign (1). Last evaluated 2025-02-16.

Allele frequency attached by ClinVar (database versions not stated): gnomAD exomes 0.00001; TOPMed 0.00001; gnomAD 0.00002.
gnomAD v4.1: 18 of 1,611,320 alleles (0.0011%); highest among the groups gnomAD compares: African/African-American, 0.0013%; no homozygotes.

Submissions (2):

Laboratory of Genetics, Children's Clinical University Hospital Latvia
Classification: Likely benign. Last evaluated: 2025-02-16. Review status: criteria provided, single submitter. Criteria: ACMG Guidelines, 2015. Collection method: clinical testing. Allele origin: germline. Affected: yes.

Labcorp Genetics (formerly Invitae), Labcorp
Classification: Uncertain significance. Last evaluated: 2022-10-16. Review status: criteria provided, single submitter. Criteria: Invitae Variant Classification Sherloc (09022015). Collection method: clinical testing. Allele origin: germline.
Comment: In summary, the available evidence is currently insufficient to determine the role of this variant in disease. Therefore, it has been classified as a Variant of Uncertain Significance. Algorithms developed to predict the effect of missense changes on protein structure and function output the following: SIFT: "Tolerated"; PolyPhen-2: "Benign"; Align-GVGD: "Class C0". The alanine amino acid residue is found in multiple mammalian species, which suggests that this missense change does not adversely affect protein function. This variant has not been reported in the literature in individuals affected with ARID1B-related conditions. This variant is present in population databases (no rsID available, gnomAD 0.003%). This sequence change replaces threonine, which is neutral and polar, with alanine, which is neutral and non-polar, at codon 992 of the ARID1B protein (p.Thr992Ala).